The following is an entry in ClinVar:

ClinVar aggregate classification (germline): Likely pathogenic (1 of 4 stars; one submission).

Conditions:
Hereditary spastic paraplegia 15 (SPG15). Also called: SPASTIC PARAPLEGIA 15, AUTOSOMAL RECESSIVE; KJELLIN SYNDROME; SPASTIC PARAPLEGIA AND RETINAL DEGENERATION. Identifiers: Orphanet 100996, MedGen C1849128, MONDO:0010044, OMIM 270700.

Allele frequency attached by ClinVar (database versions not stated): gnomAD exomes 0.00001.
gnomAD v4.1: 5 of 1,614,218 alleles (0.00031%); highest among the groups gnomAD compares: Non-Finnish European, 0.00042%; no homozygotes.

Submission:

Myriad Genetics, Inc.
Classification: Likely pathogenic for Hereditary spastic paraplegia 15. Last evaluated: 2021-11-17. Review status: criteria provided, single submitter. Criteria: Myriad Women's Health Autosomal Recessive and X-Linked Classification Criteria (2021). Collection method: clinical testing. Allele origin: unknown.
Comment: NM_015346.3(ZFYVE26):c.741C>A(C247*) is expected to be pathogenic in the context of spastic paraplegia type 15. This variant is predicted to lead to an abnormal or absent protein product due to the creation of a premature termination codon in ZFYVE26, a gene where loss-of-function variants are known to be pathogenic. Please note: this variant was assessed in the context of healthy population screening.

NM_015346.4(ZFYVE26):c.741C>A (p.Cys247Ter)

Gene: ZFYVE26 (zinc finger FYVE-type containing 26; minus strand). Cytogenetic location: 14q24.1.
Variant type: single nucleotide variant.
Coding change: c.741C>A on transcript NM_015346.4 (MANE Select); coding-DNA position 741, C replaced by A.
Protein change: p.Cys247Ter; replaces cysteine 247 with a stop codon.
Molecular consequence: nonsense.
Genome position (GRCh38, 1-based): chr14:67,807,543, G>T on the plus strand (C>A on the coding strand, the complement: ZFYVE26 is on the minus strand). VCF-style: chr14-67807543-G-T. GRCh37 (hg19) VCF-style: chr14-68274260-G-T.
Other names: short protein forms C247*.
Identifiers: ClinVar variation 1724703 (VCV001724703.2), dbSNP rs2502880316, ClinGen allele CA390161102.